The following is an entry in ClinVar:

ClinVar aggregate classification (germline): Likely benign. Review status: criteria provided, multiple submitters, no conflicts (2 of 4 stars). 4 submissions from 4 submitters: Likely benign (4). Last evaluated 2025-01-03.

Conditions:
BDP1-related disorder. Also called: BDP1-related condition.

Allele frequency attached by ClinVar (database versions not stated): gnomAD exomes 0.00019 and 0.00037; ExAC 0.00038; ESP Exome Variant Server 0.00067; gnomAD 0.00116 and 0.00124; 1000 Genomes Project 30x 0.00125; TOPMed 0.00127; 1000 Genomes Project 0.00140.
gnomAD v4.1: 471 of 1,614,022 alleles (0.029%); highest among the groups gnomAD compares: African/African-American, 0.4%; no homozygotes.

Submissions (4):

PreventionGenetics, part of Exact Sciences
Classification: Likely benign for BDP1-related condition. Last evaluated: 2025-01-03. Review status: criteria provided, single submitter. Criteria: ACMG Guidelines, 2015. Collection method: clinical testing. Allele origin: germline.
Comment: This variant is classified as likely benign based on ACMG/AMP sequence variant interpretation guidelines (Richards et al. 2015 PMID: 25741868, with internal and published modifications).

Blueprint Genetics
Classification: Likely benign. Last evaluated: 2024-11-01. Review status: criteria provided, single submitter. Criteria: ACMG Guidelines, 2015. Collection method: clinical testing. Allele origin: germline.

GeneDx
Classification: Likely benign. Last evaluated: 2020-06-09. Review status: criteria provided, single submitter. Criteria: GeneDx Variant Classification Process June 2021. Collection method: clinical testing. Allele origin: germline. Affected: yes.

Breakthrough Genomics
Classification: Likely benign. Review status: criteria provided, single submitter. Criteria: ACMG Guidelines, 2015. Collection method: not provided. Allele origin: germline. Inheritance: Autosomal recessive inheritance. Affected: yes.

NM_018429.3(BDP1):c.2747C>G (p.Pro916Arg)

Gene: BDP1 (BDP1 general transcription factor IIIB subunit; plus strand). Cytogenetic location: 5q13.2.
Variant type: single nucleotide variant.
Coding change: c.2747C>G on transcript NM_018429.3 (MANE Select); coding-DNA position 2747, C replaced by G.
Protein change: p.Pro916Arg; replaces proline 916 with arginine.
Molecular consequence: missense variant.
Genome position (GRCh38, 1-based): chr5:71,509,839, C>G. VCF-style: chr5-71509839-C-G. GRCh37 (hg19) VCF-style: chr5-70805666-C-G.
Other names: short protein forms P916R.
Identifiers: ClinVar variation 1317551 (VCV001317551.5), dbSNP rs201059861, ClinGen allele CA3296355.